The following is an entry in ClinVar:

NM_014991.6(WDFY3):c.7605+4T>C

Gene: WDFY3 (WD repeat and FYVE domain containing 3; minus strand). Cytogenetic location: 4q21.23.
Variant type: single nucleotide variant.
Coding change: c.7605+4T>C on transcript NM_014991.6 (MANE Select); 4 bases into the intron after coding-DNA position 7605, T replaced by C.
Molecular consequence: intron variant.
Genome position (GRCh38, 1-based): chr4:84,721,405, A>G on the plus strand (T>C on the coding strand, the complement: WDFY3 is on the minus strand). VCF-style: chr4-84721405-A-G. GRCh37 (hg19) VCF-style: chr4-85642558-A-G.
Other names: c.7605+4T>C (NM_014991.4).
Identifiers: ClinVar variation 2578963 (VCV002578963.27), dbSNP rs187897046, ClinGen allele CA2992586.
Genomic context (GRCh38, chr4:84,721,405, plus strand): 5'-TCATCTTGTCTTAATAATATGTTACTGAAGTATTTACAATCCTTACTTTTCAGAAGCACA[A>G]TACCTTTTCTCCTTCCTCTAACAGGCGCAGTAAGGTAGCATTATCTGTTTTCTCCTCCTC-3'

ClinVar aggregate classification (germline): Likely benign. Review status: criteria provided, multiple submitters, no conflicts (2 of 4 stars). 3 submissions from 3 submitters: Likely benign (2). 1 of the submissions does not count toward it. Last evaluated 2026-09-01.

Conditions:
WDFY3-related disorder.

Allele frequency attached by ClinVar (database versions not stated): 1000 Genomes Project 30x 0.00031; 1000 Genomes Project 0.00040; ExAC 0.00200; ESP Exome Variant Server 0.00231; gnomAD 0.00243; gnomAD exomes 0.00259; TOPMed 0.00270.
gnomAD v4.1: 4,138 of 1,613,358 alleles (0.26%); highest among the groups gnomAD compares: Admixed American, 0.36%; 5 homozygotes.

Submissions (3):

CeGaT Center for Human Genetics Tuebingen
Classification: Likely benign. Last evaluated: 2026-09-01. Review status: criteria provided, single submitter. Criteria: CeGaT Center For Human Genetics Tuebingen Variant Classification Criteria Version 2. Collection method: clinical testing. Allele origin: germline. Affected: yes. Observed: 16 variant alleles.
Comment: WDFY3: BP4, BS1

Blueprint Genetics
Classification: Likely benign. Last evaluated: 2024-11-25. Review status: criteria provided, single submitter. Criteria: ACMG Guidelines, 2015. Collection method: clinical testing. Allele origin: germline.

PreventionGenetics, part of Exact Sciences
Classification: Benign for WDFY3-related condition. Last evaluated: 2021-12-31. Review status: no assertion criteria provided. Collection method: clinical testing. Allele origin: germline. Not counted in ClinVar's aggregate classification.
Comment: This variant is classified as benign based on ACMG/AMP sequence variant interpretation guidelines (Richards et al. 2015 PMID: 25741868, with internal and published modifications).